The following is an entry in ClinVar:

NM_005359.6(SMAD4):c.1408C>T (p.Pro470Ser)

Gene: SMAD4 (SMAD family member 4; plus strand). Cytogenetic location: 18q21.2.
Variant type: single nucleotide variant.
Coding change: c.1408C>T on transcript NM_005359.6 (MANE Select); coding-DNA position 1408, C replaced by T.
Protein change: p.Pro470Ser; replaces proline 470 with serine.
Molecular consequence: missense variant.
Genome position (GRCh38, 1-based): chr18:51,076,737, C>T. VCF-style: chr18-51076737-C-T. GRCh37 (hg19) VCF-style: chr18-48603107-C-T.
Other names: c.1408C>T, p.Pro470Ser (NM_001407041.1, NM_001407042.1); short protein forms P470S.
Identifiers: ClinVar variation 1771953 (VCV001771953.5), dbSNP rs2144474405, ClinGen allele CA402465317.

ClinVar aggregate classification (germline): Uncertain significance. Review status: criteria provided, multiple submitters, no conflicts (2 of 4 stars). 2 submissions from 2 submitters: Uncertain significance (2). Last evaluated 2022-03-29.

Conditions:
Familial thoracic aortic aneurysm and aortic dissection (TAAD). Also called: Thoracic aortic aneurysms and dissections. Identifiers: Orphanet 91387, MedGen C4707243, MONDO:0019625.
Hereditary cancer-predisposing syndrome. Also called: Hereditary Cancer Syndrome; Hereditary neoplastic syndrome; Neoplastic Syndromes, Hereditary; Tumor predisposition. Identifiers: Orphanet 140162, MedGen C0027672, MeSH D009386, MONDO:0015356.

Submissions (2):

Revvity Omics, Revvity
Classification: Uncertain significance. Last evaluated: 2022-03-29. Review status: criteria provided, single submitter. Criteria: ACMG Guidelines, 2015. Collection method: clinical testing. Allele origin: germline.

Ambry Genetics
Classification: Uncertain significance for Hereditary cancer-predisposing syndrome; Familial thoracic aortic aneurysm and aortic dissection. Last evaluated: 2021-05-21. Review status: criteria provided, single submitter. Criteria: Ambry Variant Classification Scheme 2023. Collection method: clinical testing. Allele origin: germline.
Comment: The p.P470S variant (also known as c.1408C>T), located in coding exon 10 of the SMAD4 gene, results from a C to T substitution at nucleotide position 1408. The proline at codon 470 is replaced by serine, an amino acid with similar properties. This amino acid position is highly conserved in available vertebrate species. In addition, the in silico prediction for this alteration is inconclusive. Since supporting evidence is limited at this time, the clinical significance of this alteration remains unclear.